The following is an entry in ClinVar:

ClinVar aggregate classification (germline): Pathogenic. Review status: criteria provided, multiple submitters, no conflicts (2 of 4 stars). 2 submissions from 2 submitters: Pathogenic (2). Last evaluated 2021-11-27.

Conditions:
Intellectual developmental disorder with dysmorphic facies, seizures, and distal limb anomalies (IDDFSDA). Identifiers: Orphanet 505237, MedGen C4479520, MONDO:0044319, OMIM 617452.

Allele frequency attached by ClinVar (database versions not stated): TOPMed below 0.00001; ExAC 0.00005.
gnomAD v4.1: 4 of 1,599,730 alleles (0.00025%); highest among the groups gnomAD compares: Admixed American, 0.0034%; no homozygotes.

Submissions (2):

Labcorp Genetics (formerly Invitae), Labcorp
Classification: Pathogenic. Last evaluated: 2021-11-27. Review status: criteria provided, single submitter. Criteria: Invitae Variant Classification Sherloc (09022015). Collection method: clinical testing. Allele origin: germline.
Comment: This sequence change creates a premature translational stop signal (p.Glu241*) in the OTUD6B gene. It is expected to result in an absent or disrupted protein product. Loss-of-function variants in OTUD6B are known to be pathogenic (PMID: 28343629). The frequency data for this variant in the population databases is considered unreliable, as metrics indicate poor data quality at this position in the gnomAD database. This premature translational stop signal has been observed in individual(s) with an intellectual disability syndrome (PMID: 32181568). This variant is also known as p.Glu211*. ClinVar contains an entry for this variant (Variation ID: 1029424). For these reasons, this variant has been classified as Pathogenic.

Baylor Genetics
Classification: Pathogenic for Intellectual developmental disorder with dysmorphic facies, seizures, and distal limb anomalies. Last evaluated: 2019-12-24. Review status: criteria provided, single submitter. Criteria: ACMG Guidelines, 2015. Collection method: clinical testing. Allele origin: unknown. Affected: yes.
Comment: This variant was determined to be pathogenic according to ACMG Guidelines, 2015 [PMID:25741868].

Literature cited by the submitters: PubMed 28343629 (cited by Labcorp Genetics (formerly Invitae), Labcorp); PubMed 32181568 (cited by Labcorp Genetics (formerly Invitae), Labcorp).

NM_016023.5(OTUD6B):c.631G>T (p.Glu211Ter)

Gene: OTUD6B (OTU deubiquitinase 6B; plus strand). Cytogenetic location: 8q21.3.
Variant type: single nucleotide variant.
Coding change: c.631G>T on transcript NM_016023.5 (MANE Select); coding-DNA position 631, G replaced by T.
Protein change: p.Glu211Ter; replaces glutamic acid 211 with a stop codon.
Molecular consequence: nonsense.
Genome position (GRCh38, 1-based): chr8:91,080,671, G>T. VCF-style: chr8-91080671-G-T. GRCh37 (hg19) VCF-style: chr8-92092899-G-T.
Other names: c.328G>T, p.Glu110Ter (NM_001286745.3); short protein forms E110*, E211*.
Identifiers: ClinVar variation 1029424 (VCV001029424.6), dbSNP rs772032719, ClinGen allele CA4804812.